The following is an entry in ClinVar:

NM_005477.3(HCN4):c.2888C>T (p.Pro963Leu)

Gene: HCN4 (hyperpolarization activated cyclic nucleotide gated potassium channel 4; minus strand). Cytogenetic location: 15q24.1.
Variant type: single nucleotide variant.
Coding change: c.2888C>T on transcript NM_005477.3 (MANE Select); coding-DNA position 2888, C replaced by T.
Protein change: p.Pro963Leu; replaces proline 963 with leucine.
Molecular consequence: missense variant.
Genome position (GRCh38, 1-based): chr15:73,323,205, G>A on the plus strand (C>T on the coding strand, the complement: HCN4 is on the minus strand). VCF-style: chr15-73323205-G-A. GRCh37 (hg19) VCF-style: chr15-73615546-G-A.
Other names: short protein forms P963L.
Identifiers: ClinVar variation 1797244 (VCV001797244.2), dbSNP rs2549068472, ClinGen allele CA393087078.
Genomic context (GRCh38, chr15:73,323,205, plus strand): 5'-GACAACTCCCCGGGAGGCTGGCCCAGCTGCCCGGGGCTAGATGACGGGGATCTGGATGAG[G>A]GTGGGGGTGGCAGGAAGTGCTCCGGGAGTCCCAGGCCTCCCCGGGCCCCGGGTGGCGCGG-3'
Protein context (NP_005468.1, residues 953-973): GLPEHFLPPP[Pro963Leu]SSRSPSSSPG

ClinVar aggregate classification (germline): Uncertain significance (1 of 4 stars; one submission).

Conditions:
Cardiovascular phenotype. Identifiers: MedGen CN230736.

Submission:

Ambry Genetics
Classification: Uncertain significance for Cardiovascular phenotype. Last evaluated: 2020-01-09. Review status: criteria provided, single submitter. Criteria: Ambry Variant Classification Scheme 2023. Collection method: clinical testing. Allele origin: germline.
Comment: The p.P963L variant (also known as c.2888C>T), located in coding exon 8 of the HCN4 gene, results from a C to T substitution at nucleotide position 2888. The proline at codon 963 is replaced by leucine, an amino acid with similar properties. This amino acid position is not well conserved in available vertebrate species, and leucine is the reference amino acid in other vertebrate species. In addition, the in silico prediction for this alteration is inconclusive. Since supporting evidence is limited at this time, the clinical significance of this alteration remains unclear.